The following is an entry in ClinVar:

ClinVar aggregate classification (germline): Conflicting classifications of pathogenicity. Review status: criteria provided, conflicting classifications (1 of 4 stars). 13 submissions from 13 submitters: Uncertain significance (4); Benign (2); Likely benign (5). 2 of the submissions do not count toward it. Last evaluated 2026-02-03.

Conditions:
Inborn genetic diseases. Identifiers: MedGen C0950123, MeSH D030342.
Neuronal ceroid lipofuscinosis 2. Also called: JANSKY-BIELSCHOWSKY DISEASE NEURONAL CEROID LIPOFUSCINOSIS, LATE INFANTILE; TPP1-Related Neuronal Ceroid-Lipofuscinosis. Identifiers: Orphanet 168491, Orphanet 228349, Orphanet 79264, MedGen C1876161, MONDO:0008769, OMIM 204500.

Allele frequency attached by ClinVar (database versions not stated): gnomAD exomes 0.00135; ExAC 0.00155; gnomAD 0.00196 and 0.00209; 1000 Genomes Project 0.00200; ESP Exome Variant Server 0.00208; TOPMed 0.00212; 1000 Genomes Project 30x 0.00281.
gnomAD v4.1: 3,065 of 1,614,170 alleles (0.19%); highest among the groups gnomAD compares: African/African-American, 0.39%; 7 homozygotes.

Submissions (13):

Labcorp Genetics (formerly Invitae), Labcorp
Classification: Benign. Last evaluated: 2026-02-03. Review status: criteria provided, single submitter. Criteria: Invitae Variant Classification Sherloc (09022015). Collection method: clinical testing. Allele origin: germline.

Mayo Clinic Laboratories, Mayo Clinic
Classification: Likely benign. Last evaluated: 2025-10-06. Review status: criteria provided, single submitter. Criteria: ACMG Guidelines, 2015. Collection method: clinical testing. Allele origin: germline. Observed: 2 variant alleles.
Comment: BS1, BP4_moderate

ARUP Laboratories, Molecular Genetics and Genomics, ARUP Laboratories
Classification: Likely benign. Last evaluated: 2025-03-06. Review status: criteria provided, single submitter. Criteria: ARUP Molecular Germline Variant Investigation Process 2024. Collection method: clinical testing. Allele origin: germline.

CeGaT Center for Human Genetics Tuebingen
Classification: Likely benign. Last evaluated: 2024-11-01. Review status: criteria provided, single submitter. Criteria: CeGaT Center For Human Genetics Tuebingen Variant Classification Criteria Version 2. Collection method: clinical testing. Allele origin: germline. Affected: yes. Observed: 7 variant alleles.
Comment: TPP1: BP4, BS2

Blueprint Genetics
Classification: Likely benign. Last evaluated: 2024-10-11. Review status: criteria provided, single submitter. Criteria: ACMG Guidelines, 2015. Collection method: clinical testing. Allele origin: germline.

Genome-Nilou Lab
Classification: Uncertain significance for Neuronal ceroid lipofuscinosis 2. Last evaluated: 2021-05-18. Review status: criteria provided, single submitter. Criteria: ACMG Guidelines, 2015. Collection method: clinical testing. Allele origin: germline. Affected: no.

Ambry Genetics
Classification: Uncertain significance for Inborn genetic diseases. Last evaluated: 2018-02-12. Review status: criteria provided, single submitter. Criteria: Ambry Variant Classification Scheme 2023. Collection method: clinical testing. Allele origin: germline.
Comment: The p.T98M variant (also known as c.293C>T), located in coding exon 4 of the TPP1 gene, results from a C to T substitution at nucleotide position 293. The threonine at codon 98 is replaced by methionine, an amino acid with similar properties. This amino acid position is not well conserved in available vertebrate species. In addition, this alteration is predicted to be tolerated by in silico analysis. Since supporting evidence is limited at this time, the clinical significance of this alteration remains unclear.

Eurofins Ntd Llc (ga)
Classification: Likely benign. Last evaluated: 2018-02-10. Review status: criteria provided, single submitter. Criteria: EGL ClinVar v180209 classification definitions. Collection method: clinical testing. Allele origin: germline. Observed: 1 variant allele, 1 heterozygote.

Illumina Laboratory Services, Illumina
Classification: Uncertain significance for Neuronal ceroid lipofuscinosis 2. Last evaluated: 2018-01-12. Review status: criteria provided, single submitter. Criteria: ICSL Variant Classification Criteria 13 December 2019. Collection method: clinical testing. Allele origin: germline.

Genetic Services Laboratory, University of Chicago
Classification: Uncertain significance. Last evaluated: 2014-02-27. Review status: criteria provided, single submitter. Criteria: ACMG Guidelines, 2007. Collection method: clinical testing. Allele origin: germline. Inheritance: Autosomal recessive inheritance.

GeneDx
Classification: Benign. Last evaluated: 2013-07-03. Review status: criteria provided, single submitter. Criteria: GeneDx Variant Classification (06012015). Collection method: clinical testing. Allele origin: germline. Affected: yes.
Comment: This variant is considered likely benign or benign based on one or more of the following criteria: it is a conservative change, it occurs at a poorly conserved position in the protein, it is predicted to be benign by multiple in silico algorithms, and/or has population frequency not consistent with disease.

Clinical Genetics DNA and cytogenetics Diagnostics Lab, Erasmus MC, Erasmus Medical Center
Classification: Likely benign. Review status: no assertion criteria provided. Collection method: clinical testing. Allele origin: germline. Affected: yes. Study: VKGL Data-share Consensus. Not counted in ClinVar's aggregate classification.

Genome Diagnostics Laboratory, University Medical Center Utrecht
Classification: Likely benign. Review status: no assertion criteria provided. Collection method: clinical testing. Allele origin: germline. Affected: yes. Study: VKGL Data-share Consensus. Not counted in ClinVar's aggregate classification.

NM_000391.4(TPP1):c.293C>T (p.Thr98Met)

Gene: TPP1 (tripeptidyl peptidase 1; minus strand). Cytogenetic location: 11p15.4.
Variant type: single nucleotide variant.
Coding change: c.293C>T on transcript NM_000391.4 (MANE Select); coding-DNA position 293, C replaced by T.
Protein change: p.Thr98Met; replaces threonine 98 with methionine.
Molecular consequence: missense variant.
Genome position (GRCh38, 1-based): chr11:6,617,713, G>A on the plus strand (C>T on the coding strand, the complement: TPP1 is on the minus strand). VCF-style: chr11-6617713-G-A. GRCh37 (hg19) VCF-style: chr11-6638944-G-A.
Other names: p.T98M:ACG>ATG; p.Thr98Met; short protein forms T98M.
Identifiers: ClinVar variation 130609 (VCV000130609.57), dbSNP rs140726254, ClinGen allele CA231553.